The following is an entry in ClinVar:

ClinVar aggregate classification (germline): Uncertain significance (1 of 4 stars; one submission).

Allele frequency attached by ClinVar (database versions not stated): gnomAD exomes below 0.00001 and 0.00001; ExAC 0.00002.
gnomAD v4.1: 7 of 1,614,192 alleles (0.00043%); highest among the groups gnomAD compares: South Asian, 0.0055%; no homozygotes.

Submission:

Labcorp Genetics (formerly Invitae), Labcorp
Classification: Uncertain significance. Last evaluated: 2019-09-26. Review status: criteria provided, single submitter. Criteria: Invitae Variant Classification Sherloc (09022015). Collection method: clinical testing. Allele origin: germline.
Comment: This sequence change replaces cysteine with serine at codon 516 of the SNRNP200 protein (p.Cys516Ser). The cysteine residue is moderately conserved and there is a moderate physicochemical difference between cysteine and serine. This variant is present in population databases (rs754071380, ExAC 0.02%). In summary, the available evidence is currently insufficient to determine the role of this variant in disease. Therefore, it has been classified as a Variant of Uncertain Significance. Algorithms developed to predict the effect of missense changes on protein structure and function output the following: SIFT: "Tolerated"; PolyPhen-2: "Benign"; Align-GVGD: "Class C0". The serine amino acid residue is found in multiple mammalian species, suggesting that this missense change does not adversely affect protein function. These predictions have not been confirmed by published functional studies and their clinical significance is uncertain. This variant has not been reported in the literature in individuals with SNRNP200-related conditions.

NM_014014.5(SNRNP200):c.1547G>C (p.Cys516Ser)

Gene: SNRNP200 (small nuclear ribonucleoprotein U5 subunit 200; minus strand). Cytogenetic location: 2q11.2.
Variant type: single nucleotide variant.
Coding change: c.1547G>C on transcript NM_014014.5 (MANE Select); coding-DNA position 1547, G replaced by C.
Protein change: p.Cys516Ser; replaces cysteine 516 with serine.
Molecular consequence: missense variant.
Genome position (GRCh38, 1-based): chr2:96,296,660, C>G on the plus strand (G>C on the coding strand, the complement: SNRNP200 is on the minus strand). VCF-style: chr2-96296660-C-G. GRCh37 (hg19) VCF-style: chr2-96962398-C-G.
Other names: short protein forms C516S.
Identifiers: ClinVar variation 938166 (VCV000938166.9), dbSNP rs754071380, ClinGen allele CA1778897.